The following is an entry in ClinVar:

ClinVar aggregate classification (germline): Pathogenic (1 of 4 stars; one submission).

Submission:

Labcorp Genetics (formerly Invitae), Labcorp
Classification: Pathogenic. Last evaluated: 2025-10-21. Review status: criteria provided, single submitter. Criteria: Invitae Variant Classification Sherloc (09022015). Collection method: clinical testing. Allele origin: germline.
Comment: This sequence change creates a premature translational stop signal (p.Asp3025Valfs*4) in the CDH23 gene. It is expected to result in an absent or disrupted protein product. Loss-of-function variants in CDH23 are known to be pathogenic (PMID: 11138009, 21940737). This variant is not present in population databases (gnomAD no frequency). This variant has not been reported in the literature in individuals affected with CDH23-related conditions. For these reasons, this variant has been classified as Pathogenic.

Literature cited by the submitters: PubMed 11138009; PubMed 21940737.

NM_022124.6(CDH23):c.9073_9074insTA (p.Asp3025fs)

Gene: CDH23 (cadherin related 23; plus strand). Cytogenetic location: 10q22.1.
Variant type: Insertion.
Coding change: c.9073_9074insTA on transcript NM_022124.6 (MANE Select); coding-DNA positions 9073 to 9074, TA inserted.
Protein change: p.Asp3025fs; shifts the reading frame from aspartic acid 3025.
Molecular consequence: frameshift variant.
Genome position: GRCh38 VCF-style: chr10-71810565-G-GTA. GRCh37 (hg19) VCF-style: chr10-73570322-G-GTA.
Other names: c.2353_2354insTA, p.Asp785fs (NM_001171933.1, NM_001171934.1); short protein forms D785fs, D3025fs.
Identifiers: ClinVar variation 4741679 (VCV004741679.1).
Genomic context (GRCh38, chr10:71,810,565, plus strand): 5'-GCGCAGACAGAACTGCTTATCCACGTGGTGAACCGCGATACCAACCGCATCCTGGACGTG[G>GTA]ACCGGTGAGTCGGGGCCTGTGTTTGGACTGTCAGCCTGTCTGTCTGCCTGCCTCCCTGCC-3'